The following is an entry in ClinVar:

NM_145046.5(CALR3):c.97T>C (p.Trp33Arg)

Gene: CALR3 (calreticulin 3; minus strand). Cytogenetic location: 19p13.11.
Variant type: single nucleotide variant.
Coding change: c.97T>C on transcript NM_145046.5 (MANE Select); coding-DNA position 97, T replaced by C.
Protein change: p.Trp33Arg; replaces tryptophan 33 with arginine.
Molecular consequence: missense variant.
Genome position (GRCh38, 1-based): chr19:16,495,847, A>G on the plus strand (T>C on the coding strand, the complement: CALR3 is on the minus strand). VCF-style: chr19-16495847-A-G. GRCh37 (hg19) VCF-style: chr19-16606658-A-G.
Other names: c.97T>C (NM_145046.3); short protein forms W33R.
Identifiers: ClinVar variation 1390603 (VCV001390603.9), dbSNP rs1396322901, ClinGen allele CA404616279.

ClinVar aggregate classification (germline): Uncertain significance. Review status: criteria provided, multiple submitters, no conflicts (2 of 4 stars). 2 submissions from 2 submitters: Uncertain significance (2). Last evaluated 2025-02-14.

Conditions:
Hypertrophic cardiomyopathy 19. Also called: Familial hypertrophic cardiomyopathy 19. Identifiers: MedGen CN077603, MONDO:0013476.

Allele frequency attached by ClinVar (database versions not stated): gnomAD 0.00001; TOPMed 0.00001.
gnomAD v4.1: 1 of 1,613,946 alleles (0.000062%); highest among the groups gnomAD compares: African/African-American, 0.0013%; no homozygotes.

Submissions (2):

Ambry Genetics
Classification: Uncertain significance. Last evaluated: 2025-02-14. Review status: criteria provided, single submitter. Criteria: Ambry Variant Classification Scheme 2023. Collection method: clinical testing. Allele origin: germline.

Labcorp Genetics (formerly Invitae), Labcorp
Classification: Uncertain significance for Hypertrophic cardiomyopathy 19. Last evaluated: 2020-12-16. Review status: criteria provided, single submitter. Criteria: Invitae Variant Classification Sherloc (09022015). Collection method: clinical testing. Allele origin: germline.
Comment: This sequence change replaces tryptophan with arginine at codon 33 of the CALR3 protein (p.Trp33Arg). The tryptophan residue is moderately conserved and there is a moderate physicochemical difference between tryptophan and arginine. In summary, the available evidence is currently insufficient to determine the role of this variant in disease. Therefore, it has been classified as a Variant of Uncertain Significance. Algorithms developed to predict the effect of missense changes on protein structure and function are either unavailable or do not agree on the potential impact of this missense change (SIFT: "Deleterious"; PolyPhen-2: "Probably Damaging"; Align-GVGD: "Class C0"). This variant has not been reported in the literature in individuals with CALR3-related conditions. This variant is not present in population databases (ExAC no frequency).